The following is an entry in ClinVar:

NM_006364.4(SEC23A):c.1759T>A (p.Ser587Thr)

Gene: SEC23A (SEC23 homolog A, COPII coat complex component; minus strand). Cytogenetic location: 14q21.1.
Variant type: single nucleotide variant.
Coding change: c.1759T>A on transcript NM_006364.4 (MANE Select); coding-DNA position 1759, T replaced by A.
Protein change: p.Ser587Thr; replaces serine 587 with threonine.
Molecular consequence: missense variant.
Genome position (GRCh38, 1-based): chr14:39,045,303, A>T on the plus strand (T>A on the coding strand, the complement: SEC23A is on the minus strand). VCF-style: chr14-39045303-A-T. GRCh37 (hg19) VCF-style: chr14-39514507-A-T.
Other names: short protein forms S587T.
Identifiers: ClinVar variation 1315324 (VCV001315324.2), dbSNP rs1325196444, ClinGen allele CA389532275.
Genomic context (GRCh38, chr14:39,045,303, plus strand): 5'-AATGGTGACGATAATATGAACTCTCATCAGGACTATTGTTAAAAACTTGCAGGAAAGAAG[A>T]TCTTCTTAAATGAAACATAAACTGTAAGATAAACACGTAAGATAGTTGTTACTGATTTTA-3'
Protein context (NP_006355.2, residues 577-597): YPQFMFHLRR[Ser587Thr]SFLQVFNNSP

ClinVar aggregate classification (germline): Uncertain significance (1 of 4 stars; one submission).

Allele frequency attached by ClinVar (database versions not stated): gnomAD exomes below 0.00001; gnomAD 0.00001; TOPMed 0.00001.
gnomAD v4.1: 16 of 1,608,604 alleles (0.00099%); highest among the groups gnomAD compares: Non-Finnish European, 0.0012%; no homozygotes.

Submission:

GeneDx
Classification: Uncertain significance. Last evaluated: 2020-02-18. Review status: criteria provided, single submitter. Criteria: GeneDx Variant Classification Process June 2021. Collection method: clinical testing. Allele origin: germline. Affected: yes.
Comment: Not observed at a significant frequency in large population cohorts (Lek et al., 2016); In silico analysis supports that this missense variant has a deleterious effect on protein structure/function; Has not been previously published as pathogenic or benign to our knowledge